The following is an entry in ClinVar:

NM_000138.5(FBN1):c.6694T>C (p.Cys2232Arg)

Gene: FBN1 (fibrillin 1; minus strand). Cytogenetic location: 15q21.1.
Variant type: single nucleotide variant.
Coding change: c.6694T>C on transcript NM_000138.5 (MANE Select); coding-DNA position 6694, T replaced by C.
Protein change: p.Cys2232Arg; replaces cysteine 2232 with arginine.
Molecular consequence: missense variant.
Genome position (GRCh38, 1-based): chr15:48,432,911, A>G on the plus strand (T>C on the coding strand, the complement: FBN1 is on the minus strand). VCF-style: chr15-48432911-A-G. GRCh37 (hg19) VCF-style: chr15-48725108-A-G.
Other names: short protein forms C2232R.
Identifiers: ClinVar variation 222609 (VCV000222609.5), dbSNP rs869025411, ClinGen allele CA353642.

ClinVar aggregate classification (germline): Pathogenic (1 of 4 stars; one submission).

Conditions:
Familial thoracic aortic aneurysm and aortic dissection (TAAD). Also called: Thoracic aortic aneurysms and dissections. Identifiers: Orphanet 91387, MedGen C4707243, MONDO:0019625.

Submission:

Ambry Genetics
Classification: Pathogenic for Familial thoracic aortic aneurysm and aortic dissection. Last evaluated: 2020-11-03. Review status: criteria provided, single submitter. Criteria: Ambry Variant Classification Scheme 2023. Collection method: clinical testing. Allele origin: germline.
Comment: The p.C2232R pathogenic mutation (also known as c.6694T>C), located in coding exon 54 of the FBN1 gene, results from a T to C substitution at nucleotide position 6694. The cysteine at codon 2232 is replaced by arginine, an amino acid with highly dissimilar properties, and is located in the cbEGF-like domain #34. The majority of FBN1 mutations identified to date have involved the substitution or generation of cysteine residues within cbEGF domains (Vollbrandt T et al. J Biol Chem. 2004;279(31):32924-32931). This alteration was also reported in two individuals from a Marfan syndrome genetic testing cohort; however, clinical details were not provided (Robinson DO et al. Clin Genet, 2012 Sep;82:223-31). Additional amino acid substitutions at this position, p.C2232Y and p.C2232S, have also been reported in individuals with Marfan syndrome, suggesting this is a hotspot location (Pepe G et al. J Mol Cell Cardiol, 1997 Jul;29:1877-84; Proost D et al. Hum Mutat, 2015 Aug;36:808-14). Based on internal structural assessment, this alteration eliminates a structurally critical disulfide bond in the structurally sensitive cbEGF-like domain #34. This amino acid position is highly conserved in available vertebrate species. This variant was not reported in population-based cohorts in the Genome Aggregation Database (gnomAD). In addition, this alteration is predicted to be deleterious by in silico analysis. Based on the supporting evidence, this alteration is interpreted as a disease-causing mutation.

Literature cited by the submitters: PubMed 21895641; PubMed 31227806.